The following is an entry in ClinVar:

NC_000023.10:g.(?_133632400)_(133634107_?)del

Gene: HPRT1 (hypoxanthine phosphoribosyltransferase 1; plus strand). Cytogenetic location: Xq26.3.
Variant type: Deletion.
Identifiers: ClinVar variation 1460213 (VCV001460213.6).

ClinVar aggregate classification (germline): Pathogenic (1 of 4 stars; one submission).

Conditions:
Partial hypoxanthine-guanine phosphoribosyltransferase deficiency. Also called: Kelley-Seegmiller Syndrome; HPRT1 DEFICIENCY, PARTIAL; GOUT, HPRT-RELATED; HPRT DEFICIENCY, PARTIAL; HYPOXANTHINE GUANINE PHOSPHORIBOSYLTRANSFERASE 1 DEFICIENCY, PARTIAL. Identifiers: Orphanet 79233, MedGen C0268117, MONDO:0010299, OMIM 300323.
Lesch-Nyhan syndrome (LNS). Also called: Lesch-Nyhan Disease (LND); HPRT DEFICIENCY, COMPLETE. Identifiers: Orphanet 510, MedGen C0023374, MONDO:0010298, OMIM 300322.

Submission:

Labcorp Genetics (formerly Invitae), Labcorp
Classification: Pathogenic for Lesch-Nyhan syndrome; Partial hypoxanthine-guanine phosphoribosyltransferase deficiency. Last evaluated: 2021-10-27. Review status: criteria provided, single submitter. Criteria: Invitae Variant Classification Sherloc (09022015). Collection method: clinical testing. Allele origin: germline.
Comment: For these reasons, this variant has been classified as Pathogenic. This variant disrupts a region of the HPRT1 protein in which other variant(s) (p.His204Tyr) have been determined to be pathogenic (PMID: 9799086; Invitae). This suggests that this is a clinically significant region of the protein, and that variants that disrupt it are likely to be disease-causing. A similar copy number variant has been observed in individuals with Lesch-Nyhan syndrome (PMID: 23975452). This variant is a gross deletion of the genomic region encompassing exon(s) 7-9 of the HPRT1 gene, which includes the termination codon. This deletion extends beyond the assayed region for this gene and therefore may encompass additional genes. While this deletion is not anticipated to lead to nonsense mediated decay, it is expected to alter mRNA translation or result in a truncated protein product.

Literature cited by the submitters: PubMed 9799086; PubMed 23975452.